The following is an entry in ClinVar:

NC_000004.11:g.(?_55124936)_(57368027_?)del

Genes: KDR (kinase insert domain receptor; minus strand), EXOC1 (exocyst complex component 1; plus strand), SRD5A3 (steroid 5 alpha-reductase 3; plus strand), NMU (neuromedin U; minus strand), TMEM165 (transmembrane protein 165; plus strand) and 10 more. Cytogenetic location: 4q12.
Variant type: Deletion.
Identifiers: ClinVar variation 2426476 (VCV002426476.3).

ClinVar aggregate classification (germline): Pathogenic. Review status: criteria provided, single submitter (1 of 4 stars). 2 submissions from 1 submitter: Pathogenic (1). 1 of the submissions does not count toward it. Last evaluated 2021-10-28.

Conditions:
TMEM165-congenital disorder of glycosylation. Also called: CDG IIk; Congenital disorder of glycosylation type 2k; TMEM165-CDG. Identifiers: Orphanet 314667, MedGen C3553571, MONDO:0013870, OMIM 614727.

Submissions (2):

Labcorp Genetics (formerly Invitae), Labcorp
Classification: Pathogenic. Last evaluated: 2021-10-28. Review status: criteria provided, single submitter. Criteria: Invitae Variant Classification Sherloc (09022015). Collection method: clinical testing. Allele origin: germline.
Comment: A gross deletion of the genomic region encompassing the full coding sequence of the CEP135 gene has been identified. Loss-of-function variants in CEP135 are known to be pathogenic (PMID: 22521416, 26657937). The boundaries of this event are unknown as they extend beyond the assayed region for this gene and therefore may encompass additional genes. This variant has not been reported in the literature in individuals affected with CEP135-related conditions. For these reasons, this variant has been classified as Pathogenic.

Labcorp Genetics (formerly Invitae), Labcorp
Classification: Uncertain significance for TMEM165-congenital disorder of glycosylation. Last evaluated: 2021-10-28. Review status: flagged submission. Criteria: Invitae Variant Classification Sherloc (09022015). Collection method: clinical testing. Allele origin: germline. Not counted in ClinVar's aggregate classification.
Comment: A gross deletion of the genomic region encompassing the full coding sequence of the TMEM165 gene has been identified. The current clinical and genetic evidence is not sufficient to establish whether loss-of-function variants in TMEM165 cause disease. The boundaries of this event are unknown as they extend beyond the assayed region for this gene and therefore may encompass additional genes. This variant has not been reported in the literature in individuals affected with TMEM165-related conditions. In summary, the available evidence is currently insufficient to determine the role of this variant in disease. Therefore, it has been classified as a Variant of Uncertain Significance.
ClinVar note: Reason: This record appears to be redundant with a more recent record from the same submitter.
ClinVar note: Notes: SCV003795181 appears to be redundant with SCV003795590.

Literature cited by the submitters: PubMed 22521416; PubMed 26657937.